The following is an entry in ClinVar:

ClinVar aggregate classification (germline): Likely benign. Review status: reviewed by expert panel (3 of 4 stars). 4 submissions from 4 submitters: Likely benign (1). 3 of the submissions do not count toward it. Last evaluated 2025-03-18.

Conditions:
Cerebral creatine deficiency syndrome. Also called: Creatine deficiency syndromes. Identifiers: Orphanet 79172, MedGen C5244016, MONDO:0000456.
Deficiency of guanidinoacetate methyltransferase (CCDS2). Also called: GAMT DEFICIENCY; CEREBRAL CREATINE DEFICIENCY SYNDROME 2; Guanidinoacetate Methyltransferase (GAMT) Deficiency. Identifiers: Orphanet 382, MedGen C0574080, MONDO:0012999, OMIM 612736.

Allele frequency attached by ClinVar (database versions not stated): ExAC below 0.00001; 1000 Genomes Project 30x 0.00016; 1000 Genomes Project 0.00020; gnomAD 0.00001.

Submissions (4):

ClinGen Cerebral Creatine Deficiency Syndromes Variant Curation Expert Panel, ClinGen
Classification: Likely benign for Deficiency of guanidinoacetate methyltransferase. Last evaluated: 2025-03-18. Review status: reviewed by expert panel. Criteria: ClinGen CCDS ACMG Specifications GAMT V2.0.0. Collection method: curation. Allele origin: germline. Inheritance: Autosomal recessive inheritance.
Comment: The NM_000156.6:c.315G>A (p.Arg105=) variant in GAMT is a synonymous (silent) variant that is not predicted by SpliceAI to impact splicing. In addition, it occurs at a nucleotide that is not conserved as shown by phyloP (score -0.854) (BP4, BP7). To our knowledge, this variant has not been reported in the literature among individuals with GAMT deficiency and results of functional studies are unavailable. The highest population minor allele frequency in gnomAD v4.1.0. is 0.0004959 (21/42344 alleles in the E. Asian population, which is lower than the CCDS VCEP's threshold for BS1 (>0.001) and higher than the threshold for PM2_Supporting (<0.0004) (no population codes are met).There is a ClinVar entry for this v iant (Variation ID: 516094). In summary, this variant meets the criteria to be classified as likely benign for GAMT deficiency based on the GAMT-specific ACMG/AMP criteria applied, as specified by the ClinGen Cerebral Creatine Deficiency Syndromes Variant Curation Expert Panel (Specifications Version 2.0.0): BP4, BP7. (Classification approved by the ClinGen Cerebral Creatine Deficiencies Variant Curation Expert Panel on March 18, 2025)

Labcorp Genetics (formerly Invitae), Labcorp
Classification: Likely benign for Cerebral creatine deficiency syndrome. Last evaluated: 2025-10-15. Review status: criteria provided, single submitter. Criteria: Invitae Variant Classification Sherloc (09022015). Collection method: clinical testing. Allele origin: germline. Not counted in ClinVar's aggregate classification.

GeneDx
Classification: Likely benign. Last evaluated: 2018-02-01. Review status: criteria provided, single submitter. Criteria: GeneDx Variant Classification (06012015). Collection method: clinical testing. Allele origin: germline. Affected: yes. Not counted in ClinVar's aggregate classification.
Comment: This variant is considered likely benign or benign based on one or more of the following criteria: it is a conservative change, it occurs at a poorly conserved position in the protein, it is predicted to be benign by multiple in silico algorithms, and/or has population frequency not consistent with disease.

Illumina Laboratory Services, Illumina
Classification: Uncertain significance for Deficiency of guanidinoacetate methyltransferase. Last evaluated: 2018-01-13. Review status: criteria provided, single submitter. Criteria: ICSL Variant Classification Criteria 13 December 2019. Collection method: clinical testing. Allele origin: germline. Not counted in ClinVar's aggregate classification.

NM_000156.6(GAMT):c.315G>A (p.Arg105=)

Gene: GAMT (guanidinoacetate N-methyltransferase; minus strand). Cytogenetic location: 19p13.3.
Variant type: single nucleotide variant.
Coding change: c.315G>A on transcript NM_000156.6 (MANE Select); coding-DNA position 315, G replaced by A.
Protein change: p.Arg105=; no amino-acid change (arginine 105 retained).
Molecular consequence: synonymous variant.
Genome position (GRCh38, 1-based): chr19:1,399,805, C>T on the plus strand (G>A on the coding strand, the complement: GAMT is on the minus strand). VCF-style: chr19-1399805-C-T. GRCh37 (hg19) VCF-style: chr19-1399804-C-T.
Other names: NM_000156.6(GAMT):c.315G>A; p.Arg105=; c.315G>A, p.Arg105= (NM_138924.3).
Identifiers: ClinVar variation 516094 (VCV000516094.14), dbSNP rs559092619, ClinGen allele CA9043740.
Genomic context (GRCh38, chr19:1,399,805, plus strand): 5'-TCACCCCAAGGAGTGGGGGTCCTGGAGGGCCTGCGGGCAGAGGGGCACCTTGTGTGTCTG[C>T]CGTGGGGCCCAGTCCCGGAGCCGCTGGAAGACGCCGTCATTGCACTCGATGATCCAATGC-3'
Protein context (NP_000147.1, residues 95-115): VFQRLRDWAP[Arg105=]QTHKVIPLKG